The following is an entry in ClinVar:

NM_018062.4(FANCL):c.1121A>G (p.Lys374Arg)

Genes: FANCL (FA complementation group L; minus strand), VRK2 (VRK serine/threonine kinase 2; plus strand). Cytogenetic location: 2p16.1.
Variant type: single nucleotide variant.
Coding change: c.1121A>G on transcript NM_018062.4 (MANE Select); coding-DNA position 1121, A replaced by G.
Protein change: p.Lys374Arg; replaces lysine 374 with arginine.
Molecular consequence: missense variant. On other transcripts: 3 prime UTR variant (9).
Genome position (GRCh38, 1-based): chr2:58,159,772, T>C on the plus strand (A>G on the coding strand, the complement: FANCL is on the minus strand). VCF-style: chr2-58159772-T-C. GRCh37 (hg19) VCF-style: chr2-58386907-T-C.
Other names: c.1136A>G, p.Lys379Arg (NM_001114636.2); c.1166A>G, p.Lys389Arg (NM_001374615.1); c.1181A>G, p.Lys394Arg (NM_001410792.1); c.*79T>C (NM_001130480.2, NM_001130481.2, NM_001130482.2 and 4 more transcripts); c.*464T>C (NM_001130483.2, NM_001288838.2); short protein forms K389R, K374R, K379R, K394R.
Identifiers: ClinVar variation 1413174 (VCV001413174.8), dbSNP rs745544496, ClinGen allele CA1670289.

ClinVar aggregate classification (germline): Uncertain significance. Review status: criteria provided, multiple submitters, no conflicts (2 of 4 stars). 2 submissions from 2 submitters: Uncertain significance (2). Last evaluated 2025-08-04.

Conditions:
Inborn genetic diseases. Identifiers: MedGen C0950123, MeSH D030342.
Fanconi anemia (FA). Also called: Fanconi's anemia. Identifiers: Orphanet 84, MedGen C0015625, MeSH D005199, MONDO:0019391.

Allele frequency attached by ClinVar (database versions not stated): gnomAD exomes 0.00001 and 0.00002; TOPMed 0.00002; ExAC 0.00003; gnomAD 0.00003.
gnomAD v4.1: 22 of 1,613,120 alleles (0.0014%); highest among the groups gnomAD compares: Admixed American, 0.005%; no homozygotes.

Submissions (2):

Ambry Genetics
Classification: Uncertain significance for Inborn genetic diseases. Last evaluated: 2025-08-04. Review status: criteria provided, single submitter. Criteria: Ambry Variant Classification Scheme 2023. Collection method: clinical testing. Allele origin: germline.

Labcorp Genetics (formerly Invitae), Labcorp
Classification: Uncertain significance for Fanconi anemia. Last evaluated: 2024-03-11. Review status: criteria provided, single submitter. Criteria: Invitae Variant Classification Sherloc (09022015). Collection method: clinical testing. Allele origin: germline.
Comment: This sequence change replaces lysine, which is basic and polar, with arginine, which is basic and polar, at codon 374 of the FANCL protein (p.Lys374Arg). This variant is present in population databases (rs745544496, gnomAD 0.009%). This variant has not been reported in the literature in individuals affected with FANCL-related conditions. ClinVar contains an entry for this variant (Variation ID: 1413174). An algorithm developed to predict the effect of missense changes on protein structure and function (PolyPhen-2) suggests that this variant is likely to be tolerated. In summary, the available evidence is currently insufficient to determine the role of this variant in disease. Therefore, it has been classified as a Variant of Uncertain Significance.